The following is an entry in ClinVar:

NM_000548.5(TSC2):c.3886T>G (p.Ser1296Ala)

Gene: TSC2 (TSC complex subunit 2; plus strand). Cytogenetic location: 16p13.3.
Variant type: single nucleotide variant.
Coding change: c.3886T>G on transcript NM_000548.5 (MANE Select); coding-DNA position 3886, T replaced by G.
Protein change: p.Ser1296Ala; replaces serine 1296 with alanine.
Molecular consequence: missense variant. On other transcripts: non-coding transcript variant (5).
Genome position (GRCh38, 1-based): chr16:2,083,697, T>G. VCF-style: chr16-2083697-T-G. GRCh37 (hg19) VCF-style: chr16-2133698-T-G.
Other names: c.3085T>G, p.Ser1029Ala (NM_001406688.1, NM_001406687.1); c.2473T>G, p.Ser825Ala (NM_001406689.1); c.2413T>G, p.Ser805Ala (NM_001406690.1); c.2410T>G, p.Ser804Ala (NM_001406691.1); c.2344T>G, p.Ser782Ala (NM_001406692.1, NM_001406693.1, NM_001406694.1); c.2341T>G, p.Ser781Ala (NM_001406695.1, NM_001406696.1, NM_001406697.1); c.2083T>G, p.Ser695Ala (NM_001406698.1); c.3757T>G, p.Ser1253Ala (NM_021055.3, NM_001370405.1); and 26 more; short protein forms S1052A, S1073A, S1240A, S1252A, S1273A, S1030A, S1076A, S1192A.
Identifiers: ClinVar variation 2835676 (VCV002835676.3), dbSNP rs2544229122, ClinGen allele CA394296693.

ClinVar aggregate classification (germline): Uncertain significance (1 of 4 stars; one submission).

Conditions:
Tuberous sclerosis 2 (TSC2). Identifiers: Orphanet 805, MedGen C1860707, MONDO:0013199, OMIM 613254.

Submission:

Labcorp Genetics (formerly Invitae), Labcorp
Classification: Uncertain significance for Tuberous sclerosis 2. Last evaluated: 2025-05-26. Review status: criteria provided, single submitter. Criteria: Invitae Variant Classification Sherloc (09022015). Collection method: clinical testing. Allele origin: germline.
Comment: This sequence change replaces serine, which is neutral and polar, with alanine, which is neutral and non-polar, at codon 1296 of the TSC2 protein (p.Ser1296Ala). This variant is not present in population databases (gnomAD no frequency). This variant has not been reported in the literature in individuals affected with TSC2-related conditions. ClinVar contains an entry for this variant (Variation ID: 2835676). An algorithm developed to predict the effect of missense changes on protein structure and function (PolyPhen-2) suggests that this variant is likely to be disruptive. In summary, the available evidence is currently insufficient to determine the role of this variant in disease. Therefore, it has been classified as a Variant of Uncertain Significance.